The following is an entry in ClinVar:

NM_001025603.2(RFX5):c.1058C>G (p.Pro353Arg)

Gene: RFX5 (regulatory factor X5; minus strand). Cytogenetic location: 1q21.3.
Variant type: single nucleotide variant.
Coding change: c.1058C>G on transcript NM_001025603.2 (MANE Select); coding-DNA position 1058, C replaced by G.
Protein change: p.Pro353Arg; replaces proline 353 with arginine.
Molecular consequence: missense variant.
Genome position (GRCh38, 1-based): chr1:151,342,979, G>C on the plus strand (C>G on the coding strand, the complement: RFX5 is on the minus strand). VCF-style: chr1-151342979-G-C. GRCh37 (hg19) VCF-style: chr1-151315455-G-C.
Other names: c.1058C>G, p.Pro353Arg (NM_000449.4, NM_001379412.1, NM_001379413.1 and 5 more transcripts); c.938C>G, p.Pro313Arg (NM_001379419.1, NM_001379420.1); short protein forms P313R, P353R.
Identifiers: ClinVar variation 2878826 (VCV002878826.2), dbSNP rs2529019332, ClinGen allele CA341930006.

ClinVar aggregate classification (germline): Uncertain significance (1 of 4 stars; one submission).

Conditions:
MHC class II deficiency. Also called: Bare lymphocyte syndrome 2; BLS, TYPE II. Identifiers: Orphanet 572, MedGen C5447452, MONDO:0008855.

Submission:

Labcorp Genetics (formerly Invitae), Labcorp
Classification: Uncertain significance for MHC class II deficiency. Last evaluated: 2023-02-15. Review status: criteria provided, single submitter. Criteria: Invitae Variant Classification Sherloc (09022015). Collection method: clinical testing. Allele origin: germline.
Comment: In summary, the available evidence is currently insufficient to determine the role of this variant in disease. Therefore, it has been classified as a Variant of Uncertain Significance. An algorithm developed to predict the effect of missense changes on protein structure and function (PolyPhen-2) suggests that this variant is likely to be disruptive. This variant has not been reported in the literature in individuals affected with RFX5-related conditions. This variant is not present in population databases (gnomAD no frequency). This sequence change replaces proline, which is neutral and non-polar, with arginine, which is basic and polar, at codon 353 of the RFX5 protein (p.Pro353Arg).